The following is an entry in ClinVar:

ClinVar aggregate classification (germline): Conflicting classifications of pathogenicity. Review status: criteria provided, conflicting classifications (1 of 4 stars). 2 submissions from 2 submitters: Uncertain significance (1); Likely benign (1). Last evaluated 2024-01-04.

Allele frequency attached by ClinVar (database versions not stated): gnomAD exomes 0.00001; gnomAD 0.00003.
gnomAD v4.1: 13 of 1,596,542 alleles (0.00081%); highest among the groups gnomAD compares: East Asian, 0.0022%; no homozygotes.

Submissions (2):

Ambry Genetics
Classification: Likely benign. Last evaluated: 2024-01-04. Review status: criteria provided, single submitter. Criteria: Ambry Variant Classification Scheme 2023. Collection method: clinical testing. Allele origin: germline.

Labcorp Genetics (formerly Invitae), Labcorp
Classification: Uncertain significance. Last evaluated: 2023-03-04. Review status: criteria provided, single submitter. Criteria: Invitae Variant Classification Sherloc (09022015). Collection method: clinical testing. Allele origin: germline.
Comment: This sequence change replaces arginine, which is basic and polar, with histidine, which is basic and polar, at codon 634 of the NIN protein (p.Arg634His). This variant is present in population databases (no rsID available, gnomAD 0.007%). This variant has not been reported in the literature in individuals affected with NIN-related conditions. Algorithms developed to predict the effect of missense changes on protein structure and function output the following: SIFT: "Not Available"; PolyPhen-2: "Benign"; Align-GVGD: "Not Available". The histidine amino acid residue is found in multiple mammalian species, which suggests that this missense change does not adversely affect protein function. In summary, the available evidence is currently insufficient to determine the role of this variant in disease. Therefore, it has been classified as a Variant of Uncertain Significance.

NM_020921.4(NIN):c.1901G>A (p.Arg634His)

Gene: NIN (ninein; minus strand). Cytogenetic location: 14q22.1.
Variant type: single nucleotide variant.
Coding change: c.1901G>A on transcript NM_020921.4 (MANE Select); coding-DNA position 1901, G replaced by A.
Protein change: p.Arg634His; replaces arginine 634 with histidine.
Molecular consequence: missense variant.
Genome position (GRCh38, 1-based): chr14:50,760,355, C>T on the plus strand (G>A on the coding strand, the complement: NIN is on the minus strand). VCF-style: chr14-50760355-C-T. GRCh37 (hg19) VCF-style: chr14-51227073-C-T.
Other names: c.1901G>A (NM_020921.3); c.1901G>A, p.Arg634His (NM_016350.5, NM_182944.3, NM_182946.2); short protein forms R634H.
Identifiers: ClinVar variation 2959494 (VCV002959494.4), dbSNP rs1167864898, ClinGen allele CA389703486.